The following is an entry in ClinVar:

ClinVar aggregate classification (germline): Pathogenic (1 of 4 stars; one submission).

Conditions:
Zellweger spectrum disorders (ZS). Also called: Zellweger syndrome; Zellweger Spectrum Disorder; Zellweger Spectrum; Zellweger Spectrum Disorder (ZSD). Identifiers: Orphanet 912, MedGen C0043459, MONDO:0019609.

Submission:

Labcorp Genetics (formerly Invitae), Labcorp
Classification: Pathogenic for Zellweger spectrum disorders. Last evaluated: 2025-08-04. Review status: criteria provided, single submitter. Criteria: Invitae Variant Classification Sherloc (09022015). Collection method: clinical testing. Allele origin: germline.
Comment: This sequence change creates a premature translational stop signal (p.Pro859Thrfs*41) in the PEX1 gene. It is expected to result in an absent or disrupted protein product. Loss-of-function variants in PEX1 are known to be pathogenic (PMID: 21031596, 26387595, 31831025). This variant is not present in population databases (gnomAD no frequency). This variant has not been reported in the literature in individuals affected with PEX1-related conditions. For these reasons, this variant has been classified as Pathogenic.

Literature cited by the submitters: PubMed 21031596; PubMed 26387595; PubMed 31831025.

NM_000466.3(PEX1):c.2574dup (p.Pro859fs)

Gene: PEX1 (peroxisomal biogenesis factor 1; minus strand). Cytogenetic location: 7q21.2.
Variant type: Duplication.
Coding change: c.2574dup on transcript NM_000466.3 (MANE Select); coding-DNA position 2574, one base duplicated (A; older notation c.2574dupA).
Protein change: p.Pro859fs; shifts the reading frame from proline 859.
Molecular consequence: frameshift variant.
Genome position (GRCh38, 1-based): chr7:92,501,516, T duplicated on the plus strand (A on the coding strand, the reverse complement: PEX1 is on the minus strand). VCF-style (leftmost placement, unchanged base first): chr7-92501515-G-GT. GRCh37 (hg19) VCF-style: chr7-92130829-G-GT.
Other names: c.2403dup, p.Pro802fs (NM_001282677.2); c.1950dup, p.Pro651fs (NM_001282678.2); short protein forms P859fs, P802fs, P651fs.
Identifiers: ClinVar variation 4724790 (VCV004724790.1).